The following is an entry in ClinVar:

ClinVar aggregate classification (germline): Uncertain significance (1 of 4 stars; one submission).

Conditions:
Hypertrophic cardiomyopathy 1 (CMH1). Also called: Familial hypertrophic cardiomyopathy 1; MYH7-Related Familial Hypertrophic Cardiomyopathy. Identifiers: MedGen C3495498, MONDO:0008647, OMIM 192600.

Allele frequency attached by ClinVar (database versions not stated): gnomAD exomes below 0.00001.
gnomAD v4.1: 1 of 1,614,058 alleles (0.000062%); highest among the groups gnomAD compares: Non-Finnish European, 0.000085%; no homozygotes.

Submission:

Labcorp Genetics (formerly Invitae), Labcorp
Classification: Uncertain significance for Hypertrophic cardiomyopathy 1. Last evaluated: 2023-10-03. Review status: criteria provided, single submitter. Criteria: Invitae Variant Classification Sherloc (09022015). Collection method: clinical testing. Allele origin: germline.
Comment: This sequence change replaces methionine, which is neutral and non-polar, with isoleucine, which is neutral and non-polar, at codon 326 of the MYLK2 protein (p.Met326Ile). This variant is not present in population databases (gnomAD no frequency). This variant has not been reported in the literature in individuals affected with MYLK2-related conditions. Advanced modeling of protein sequence and biophysical properties (such as structural, functional, and spatial information, amino acid conservation, physicochemical variation, residue mobility, and thermodynamic stability) performed at Invitae indicates that this missense variant is not expected to disrupt MYLK2 protein function. In summary, the available evidence is currently insufficient to determine the role of this variant in disease. Therefore, it has been classified as a Variant of Uncertain Significance.

NM_033118.4(MYLK2):c.978G>A (p.Met326Ile)

Gene: MYLK2 (myosin light chain kinase 2; plus strand). Cytogenetic location: 20q11.21.
Variant type: single nucleotide variant.
Coding change: c.978G>A on transcript NM_033118.4 (MANE Select); coding-DNA position 978, G replaced by A.
Protein change: p.Met326Ile; replaces methionine 326 with isoleucine.
Molecular consequence: missense variant.
Genome position (GRCh38, 1-based): chr20:31,826,610, G>A. VCF-style: chr20-31826610-G-A. GRCh37 (hg19) VCF-style: chr20-30414413-G-A.
Other names: short protein forms M326I.
Identifiers: ClinVar variation 2737057 (VCV002737057.3), dbSNP rs2515456855, ClinGen allele CA408526825.
Genomic context (GRCh38, chr20:31,826,610, plus strand): 5'-GGGTGGCAGGGAGTGATGGTGCCCAGCTGGTACCCTTGACTTCCCTGGTCCCCAGGAAAT[G>A]GTGTTGCTGGAGATTGAGGTCATGAACCAGCTGAACCACCGCAATCTGATCCAGCTGTAT-3'
Protein context (NP_149109.1, residues 316-336): IKKQTPKDKE[Met326Ile]VLLEIEVMNQ